The following is an entry in ClinVar:

NM_025114.4(CEP290):c.1515G>A (p.Glu505=)

Gene: CEP290 (centrosomal protein 290; minus strand). Cytogenetic location: 12q21.32.
Variant type: single nucleotide variant.
Coding change: c.1515G>A on transcript NM_025114.4 (MANE Select); coding-DNA position 1515, G replaced by A.
Protein change: p.Glu505=; no amino-acid change (glutamic acid 505 retained).
Molecular consequence: synonymous variant.
Genome position (GRCh38, 1-based): chr12:88,120,121, C>T on the plus strand (G>A on the coding strand, the complement: CEP290 is on the minus strand). VCF-style: chr12-88120121-C-T. GRCh37 (hg19) VCF-style: chr12-88513898-C-T.
Other names: c.1515G>A (NM_025114.3).
Identifiers: ClinVar variation 2944849 (VCV002944849.4), dbSNP rs370057064, ClinGen allele CA481051739.
Genomic context (GRCh38, chr12:88,120,121, plus strand): 5'-AAAAGACTTGTAAATCAGGTTGCGCAAACTATGTAACTTAAAACATGGCTTACCCACACG[C>T]TCTCTAAGTGCCTCATTTTCATCAAGGAAATCACTGATCTTCAATTCAAGTTTATTGATT-3'
Protein context (NP_079390.3, residues 495-515): DFLDENEALR[Glu505=]RVGLEPKTMI

ClinVar aggregate classification (germline): Likely benign. Review status: criteria provided, multiple submitters, no conflicts (2 of 4 stars). 2 submissions from 2 submitters: Likely benign (2). Last evaluated 2026-05-23.

Conditions:
CEP290-related disorder. Also called: CEP290-related disorders; CEP290-related condition. Identifiers: MedGen CN239314.
Meckel-Gruber syndrome. Also called: Dysencephalia splachnocystica; DYSENCEPHALIA SPLANCHNOCYSTICA; GRUBER SYNDROME. Identifiers: Orphanet 564, MedGen C0265215, MONDO:0018921.
Joubert syndrome. Also called: Familial aplasia of the vermis; JOUBERT-BOLTSHAUSER SYNDROME. Identifiers: Orphanet 475, MedGen C5979921, MONDO:0018772.
Nephronophthisis. Also called: Juvenile Nephronophthisis. Identifiers: Orphanet 655, MedGen C0687120, MONDO:0019005, HP:0000090.

Submissions (2):

PreventionGenetics, part of Exact Sciences
Classification: Likely benign for CEP290-related condition. Last evaluated: 2026-05-23. Review status: criteria provided, single submitter. Criteria: ACMG Guidelines, 2015. Collection method: clinical testing. Allele origin: germline.
Comment: This variant is classified as likely benign based on ACMG/AMP sequence variant interpretation guidelines (Richards et al. 2015 PMID: 25741868, with internal and published modifications).

Labcorp Genetics (formerly Invitae), Labcorp
Classification: Likely benign for Joubert syndrome; Meckel-Gruber syndrome; Nephronophthisis. Last evaluated: 2023-03-01. Review status: criteria provided, single submitter. Criteria: Invitae Variant Classification Sherloc (09022015). Collection method: clinical testing. Allele origin: germline.